The following is an entry in ClinVar:

NM_012434.5(SLC17A5):c.935T>A (p.Leu312Ter)

Gene: SLC17A5 (solute carrier family 17 member 5; minus strand). Cytogenetic location: 6q13.
Variant type: single nucleotide variant.
Coding change: c.935T>A on transcript NM_012434.5 (MANE Select); coding-DNA position 935, T replaced by A.
Protein change: p.Leu312Ter; replaces leucine 312 with a stop codon.
Molecular consequence: nonsense. On other transcripts: intron variant (1).
Genome position (GRCh38, 1-based): chr6:73,621,847, A>T on the plus strand (T>A on the coding strand, the complement: SLC17A5 is on the minus strand). VCF-style: chr6-73621847-A-T. GRCh37 (hg19) VCF-style: chr6-74331570-A-T.
Other names: c.704T>A, p.Leu235Ter (NM_001382629.1); c.935T>A, p.Leu312Ter (NM_001382630.1, NM_001382633.1); c.956T>A, p.Leu319Ter (NM_001382631.1); c.848T>A, p.Leu283Ter (NM_001382632.1); c.932T>A, p.Leu311Ter (NM_001382635.1); c.617T>A, p.Leu206Ter (NM_001382636.1); c.820-6400T>A (NM_001382634.1); short protein forms L206*, L235*, L283*, L311*, L312*, L319*.
Identifiers: ClinVar variation 5012739 (VCV005012739.1).
Genomic context (GRCh38, chr6:73,621,847, plus strand): 5'-TGATTATTTTTTCTTACCTCTTGAACATTGAACCTTAGGATCTCCTTCATATAAGTAGGC[A>T]ATAATGTCAATAAAGTATAAAAAGTCCAGTTGTAAGAAAAGTGTGCAACTACGATAGCCC-3'

ClinVar aggregate classification (germline): Pathogenic (1 of 4 stars; one submission).

Conditions:
Sialic acid storage disease, severe infantile type (ISSD). Also called: N-ACETYLNEURAMINIC ACID STORAGE DISEASE; NANA STORAGE DISEASE; INFANTILE SIALIC ACID STORAGE DISORDER; SIALURIA, INFANTILE FORM; Infantile Sialic Acid Storage Disease; Free sialic acid storage disease, infantile form. Identifiers: Orphanet 309324, Orphanet 834, MedGen C1096902, MONDO:0010027, OMIM 269920.

Submission:

Myriad Genetics, Inc.
Classification: Pathogenic for Sialic acid storage disease, severe infantile type. Last evaluated: 2024-02-14. Review status: criteria provided, single submitter. Criteria: Myriad Autosomal Dominant, Autosomal Recessive and X-Linked Classification Criteria (2023). Collection method: clinical testing. Allele origin: unknown.
Comment: NM_012434.4(SLC17A5):c.935T>A(L312*) is expected to be pathogenic in the context of free sialic acid storage disorders. This variant is predicted to lead to an abnormal or absent protein product due to the creation of a premature termination codon in SLC17A5, a gene where loss-of-function variants are known to be pathogenic. Please note: this variant was assessed in the context of healthy population screening.